The following is an entry in ClinVar:

ClinVar aggregate classification (germline): Uncertain significance. Review status: criteria provided, multiple submitters, no conflicts (2 of 4 stars). 3 submissions from 3 submitters: Uncertain significance (3). Last evaluated 2024-01-15.

Conditions:
Neuronal ceroid lipofuscinosis 10 (CLN10). Also called: CTSD-Related Neuronal Ceroid-Lipofuscinosis; NEURONAL CEROID LIPOFUSCINOSIS DUE TO CATHEPSIN D DEFICIENCY. Identifiers: Orphanet 228337, MedGen C1864669, MONDO:0012414, OMIM 610127.
Neuronal ceroid lipofuscinosis. Also called: Neuronal Ceroid Lipofuscinoses. Identifiers: Orphanet 216, Orphanet 79263, MedGen C0027877, MONDO:0016295. Disease mechanism: loss of function.

Allele frequency attached by ClinVar (database versions not stated): TOPMed below 0.00001; ExAC 0.00001; gnomAD exomes 0.00001.
gnomAD v4.1: 43 of 1,608,504 alleles (0.0027%); highest among the groups gnomAD compares: East Asian, 0.0045%; no homozygotes.

Submissions (3):

Blueprint Genetics
Classification: Uncertain significance. Last evaluated: 2024-01-15. Review status: criteria provided, single submitter. Criteria: ACMG Guidelines, 2015. Collection method: clinical testing. Allele origin: germline.

Labcorp Genetics (formerly Invitae), Labcorp
Classification: Uncertain significance for Neuronal ceroid lipofuscinosis. Last evaluated: 2022-10-25. Review status: criteria provided, single submitter. Criteria: Invitae Variant Classification Sherloc (09022015). Collection method: clinical testing. Allele origin: germline.
Comment: This sequence change replaces glycine, which is neutral and non-polar, with arginine, which is basic and polar, at codon 316 of the CTSD protein (p.Gly316Arg). This variant is present in population databases (rs764766572, gnomAD 0.002%). This variant has not been reported in the literature in individuals affected with CTSD-related conditions. ClinVar contains an entry for this variant (Variation ID: 303836). Advanced modeling of protein sequence and biophysical properties (such as structural, functional, and spatial information, amino acid conservation, physicochemical variation, residue mobility, and thermodynamic stability) performed at Invitae indicates that this missense variant is not expected to disrupt CTSD protein function. In summary, the available evidence is currently insufficient to determine the role of this variant in disease. Therefore, it has been classified as a Variant of Uncertain Significance.

Illumina Laboratory Services, Illumina
Classification: Uncertain significance for Neuronal ceroid lipofuscinosis 10. Last evaluated: 2018-01-13. Review status: criteria provided, single submitter. Criteria: ICSL Variant Classification Criteria 13 December 2019. Collection method: clinical testing. Allele origin: germline.

NM_001909.5(CTSD):c.946G>A (p.Gly316Arg)

Gene: CTSD (cathepsin D; minus strand). Cytogenetic location: 11p15.5.
Variant type: single nucleotide variant.
Coding change: c.946G>A on transcript NM_001909.5 (MANE Select); coding-DNA position 946, G replaced by A.
Protein change: p.Gly316Arg; replaces glycine 316 with arginine.
Molecular consequence: missense variant.
Genome position (GRCh38, 1-based): chr11:1,754,020, C>T on the plus strand (G>A on the coding strand, the complement: CTSD is on the minus strand). VCF-style: chr11-1754020-C-T. GRCh37 (hg19) VCF-style: chr11-1775250-C-T.
Other names: short protein forms G316R.
Identifiers: ClinVar variation 303836 (VCV000303836.12), dbSNP rs764766572, ClinGen allele CA5813993.